The following is an entry in ClinVar:

NM_198578.4(LRRK2):c.5647T>C (p.Phe1883Leu)

Gene: LRRK2 (leucine rich repeat kinase 2; plus strand). Cytogenetic location: 12q12.
Variant type: single nucleotide variant.
Coding change: c.5647T>C on transcript NM_198578.4 (MANE Select); coding-DNA position 5647, T replaced by C.
Protein change: p.Phe1883Leu; replaces phenylalanine 1883 with leucine.
Molecular consequence: missense variant.
Genome position (GRCh38, 1-based): chr12:40,323,297, T>C. VCF-style: chr12-40323297-T-C. GRCh37 (hg19) VCF-style: chr12-40717099-T-C.
Other names: short protein forms F1883L.
Identifiers: ClinVar variation 373908 (VCV000373908.4), dbSNP rs762890407, ClinGen allele CA6514493.

ClinVar aggregate classification (germline): Uncertain significance. Review status: criteria provided, single submitter (1 of 4 stars). 2 submissions from 2 submitters: Uncertain significance (1). 1 of the submissions does not count toward it. Last evaluated 2023-07-29.

Conditions:
Inborn genetic diseases. Identifiers: MedGen C0950123, MeSH D030342.
Frontotemporal dementia (FTD1). Also called: FRONTOTEMPORAL DEMENTIA WITH PARKINSONISM; FRONTOTEMPORAL LOBE DEMENTIA; MULTIPLE SYSTEM TAUOPATHY WITH PRESENILE DEMENTIA; WILHELMSEN-LYNCH DISEASE; Frontotemporal lobe dementia (FLDEM); FRONTOTEMPORAL LOBAR DEGENERATION WITH TAU INCLUSIONS. Identifiers: Orphanet 282, MedGen C0338451, MONDO:0017276, OMIM 600274, HP:0002145.
Parkinsonian disorder. Also called: Parkinsonism. Identifiers: MedGen C0242422, MONDO:0021095, HP:0001300.
Brain atrophy. Identifiers: MedGen C4551584, HP:0012444.
Rigidity. Identifiers: MedGen C0026837, HP:0002063.

Allele frequency attached by ClinVar (database versions not stated): gnomAD exomes below 0.00001 and 0.00001; ExAC 0.00001.
gnomAD v4.1: 2 of 1,611,738 alleles (0.00012%); highest among the groups gnomAD compares: Non-Finnish European, 0.000085%; no homozygotes.

Submissions (2):

Ambry Genetics
Classification: Uncertain significance for Inborn genetic diseases. Last evaluated: 2023-07-29. Review status: criteria provided, single submitter. Criteria: Ambry Variant Classification Scheme 2023. Collection method: clinical testing. Allele origin: germline.
Comment: The p.F1883L variant (also known as c.5647T>C), located in coding exon 38 of the LRRK2 gene, results from a T to C substitution at nucleotide position 5647. The phenylalanine at codon 1883 is replaced by leucine, an amino acid with highly similar properties. This amino acid position is conserved. In addition, this alteration is predicted to be tolerated by in silico analysis. Since supporting evidence is limited at this time, the clinical significance of this alteration remains unclear.

Centre for Mendelian Genomics, University Medical Centre Ljubljana
Classification: Uncertain significance for Brain atrophy; Frontotemporal dementia; Parkinsonian disorder; Rigidity. Last evaluated: 2016-05-30. Review status: no assertion criteria provided. Collection method: clinical testing. Allele origin: unknown. Affected: yes. Not counted in ClinVar's aggregate classification.